The following is an entry in ClinVar:

ClinVar aggregate classification (germline): Uncertain significance (1 of 4 stars; one submission).

Conditions:
Combined immunodeficiency due to ORAI1 deficiency. Also called: IMMUNODEFICIENCY 9. Identifiers: Orphanet 169090, Orphanet 317428, MedGen C2748568, MONDO:0013007, OMIM 612782.
Myopathy, tubular aggregate, 2 (TAM2). Identifiers: MedGen C4014557, MONDO:0014383, OMIM 615883.

Submission:

Labcorp Genetics (formerly Invitae), Labcorp
Classification: Uncertain significance for Myopathy, tubular aggregate, 2; Combined immunodeficiency due to ORAI1 deficiency. Last evaluated: 2025-07-27. Review status: criteria provided, single submitter. Criteria: Invitae Variant Classification Sherloc (09022015). Collection method: clinical testing. Allele origin: germline.
Comment: This sequence change affects an acceptor splice site in intron 1 of the ORAI1 gene. While this variant is not anticipated to result in nonsense mediated decay, it likely alters RNA splicing and results in a disrupted protein product. This variant is not present in population databases (gnomAD no frequency). This variant has not been reported in the literature in individuals affected with ORAI1-related conditions. Variants that disrupt the consensus splice site are a relatively common cause of aberrant splicing (PMID: 17576681, 9536098). Algorithms developed to predict the effect of sequence changes on RNA splicing suggest that this variant may disrupt the consensus splice site. In summary, the available evidence is currently insufficient to determine the role of this variant in disease. Therefore, it has been classified as a Variant of Uncertain Significance.

Literature cited by the submitters: PubMed 17576681; PubMed 9536098.

NC_000012.12:g.121641040G>C

Gene: ORAI1 (ORAI calcium release-activated calcium modulator 1; plus strand). Cytogenetic location: 12q24.31.
Variant type: single nucleotide variant.
Genome position: GRCh38 VCF-style: chr12-121641040-G-C. GRCh37 (hg19) VCF-style: chr12-122078946-G-C.
Identifiers: ClinVar variation 4790669 (VCV004790669.1).